The following is an entry in ClinVar:

ClinVar aggregate classification (germline): Conflicting classifications of pathogenicity. Review status: criteria provided, conflicting classifications (1 of 4 stars). 2 submissions from 2 submitters: Uncertain significance (1); Likely benign (1). Last evaluated 2025-02-22.

Allele frequency attached by ClinVar (database versions not stated): gnomAD 0.00001; gnomAD exomes below 0.00001; TOPMed 0.00001.
gnomAD v4.1: 3 of 1,612,766 alleles (0.00019%); highest among the groups gnomAD compares: African/African-American, 0.0027%; no homozygotes.

Submissions (2):

GeneDx
Classification: Uncertain significance. Last evaluated: 2025-02-22. Review status: criteria provided, single submitter. Criteria: GeneDx Variant Classification Process June 2021. Collection method: clinical testing. Allele origin: germline. Affected: yes.
Comment: Not observed at significant frequency in large population cohorts (gnomAD); In silico analysis indicates that this missense variant does not alter protein structure/function; Has not been previously published as pathogenic or benign to our knowledge

Laboratory for Molecular Medicine, Mass General Brigham Personalized Medicine
Classification: Likely benign. Last evaluated: 2012-08-28. Review status: criteria provided, single submitter. Criteria: LMM Criteria. Collection method: clinical testing. Allele origin: germline. Observed: 1 variant allele.
Comment: His5026Tyr in exon 74 of GPR98: This variant is not expected to have clinical si gnificance due to a lack of conservation across species, including mammals. Of n ote, cat and dog have a tyrosine (Tyr) at this position despite high nearby amin o acid conservation. In addition, computational analyses (PolyPhen2, SIFT, Align GVGD) do not suggest a high likelihood of impact to the protein.

NM_032119.4(ADGRV1):c.15076C>T (p.His5026Tyr)

Gene: ADGRV1 (adhesion G protein-coupled receptor V1; plus strand). Cytogenetic location: 5q14.3.
Variant type: single nucleotide variant.
Coding change: c.15076C>T on transcript NM_032119.4 (MANE Select); coding-DNA position 15076, C replaced by T.
Protein change: p.His5026Tyr; replaces histidine 5026 with tyrosine.
Molecular consequence: missense variant. On other transcripts: non-coding transcript variant (1).
Genome position (GRCh38, 1-based): chr5:90,810,336, C>T. VCF-style: chr5-90810336-C-T. GRCh37 (hg19) VCF-style: chr5-90106153-C-T.
Other names: short protein forms H5026Y.
Identifiers: ClinVar variation 46277 (VCV000046277.5), dbSNP rs397517423, ClinGen allele CA138042.